The following is an entry in ClinVar:

NM_017686.4(GDAP2):c.66A>G (p.Ser22=)

Gene: GDAP2 (ganglioside induced differentiation associated protein 2; minus strand). Cytogenetic location: 1p12.
Variant type: single nucleotide variant.
Coding change: c.66A>G on transcript NM_017686.4 (MANE Select); coding-DNA position 66, A replaced by G.
Protein change: p.Ser22=; no amino-acid change (serine 22 retained).
Molecular consequence: synonymous variant.
Genome position (GRCh38, 1-based): chr1:117,920,292, T>C on the plus strand (A>G on the coding strand, the complement: GDAP2 is on the minus strand). VCF-style: chr1-117920292-T-C. GRCh37 (hg19) VCF-style: chr1-118462915-T-C.
Other names: c.66A>G, p.Ser22= (NM_001135589.3).
Identifiers: ClinVar variation 3034487 (VCV003034487.2), dbSNP rs35307065, ClinGen allele CA1031776.
Genomic context (GRCh38, chr1:117,920,292, plus strand): 5'-AACAGTGTCTTCCTGAAATATTTCAGCTGTAGTATCAGAGGAATTTAATTCATCTTGGCA[T>C]GAGTCACCCCAGCTTGGTAGTGTATCCACATCCACAAACTGGGAAGGTGCACCTAAGGGA-3'
Protein context (NP_060156.1, residues 12-32): DVDTLPSWGD[Ser22=]CQDELNSSDT

ClinVar aggregate classification (germline): Benign (0 of 4 stars; one submission).

Conditions:
GDAP2-related disorder. Also called: GDAP2-related condition.

Allele frequency attached by ClinVar (database versions not stated): gnomAD 0.00336; ESP Exome Variant Server 0.00377; 1000 Genomes Project 0.00619; 1000 Genomes Project 30x 0.00687.
gnomAD v4.1: 985 of 1,610,456 alleles (0.061%); highest among the groups gnomAD compares: African/African-American, 1.2%; 8 homozygotes.

Submission:

PreventionGenetics, part of Exact Sciences
Classification: Benign for GDAP2-related condition. Last evaluated: 2019-06-12. Review status: no assertion criteria provided. Collection method: clinical testing. Allele origin: germline.
Comment: This variant is classified as benign based on ACMG/AMP sequence variant interpretation guidelines (Richards et al. 2015 PMID: 25741868, with internal and published modifications).